The following is an entry in ClinVar:

ClinVar aggregate classification (germline): Benign/Likely benign. Review status: criteria provided, multiple submitters, no conflicts (2 of 4 stars). 6 submissions from 6 submitters: Benign (2); Likely benign (4). Last evaluated 2026-09-01.

Conditions:
COG1 congenital disorder of glycosylation (CDG2G). Also called: CONGENITAL DISORDER OF GLYCOSYLATION, TYPE IIg; CDG IIg; CDGII/COG1 CEREBROCOSTOMANDIBULAR-LIKE SYNDROME. Identifiers: Orphanet 263508, MedGen C2931011, MONDO:0012637, OMIM 611209.

Allele frequency attached by ClinVar (database versions not stated): 1000 Genomes Project 30x 0.00156; gnomAD exomes 0.00418 and 0.01115; 1000 Genomes Project 0.00479; gnomAD 0.01052 and 0.01075; TOPMed 0.01077; ExAC 0.01323; ESP Exome Variant Server 0.01325.
gnomAD v4.1: 7,542 of 1,576,020 alleles (0.48%); highest among the groups gnomAD compares: Non-Finnish European, 0.51%; 71 homozygotes.

Submissions (6):

CeGaT Center for Human Genetics Tuebingen
Classification: Likely benign. Last evaluated: 2026-09-01. Review status: criteria provided, single submitter. Criteria: CeGaT Center For Human Genetics Tuebingen Variant Classification Criteria Version 2. Collection method: clinical testing. Allele origin: germline. Affected: yes. Observed: 12 variant alleles.
Comment: COG1: BS2

Labcorp Genetics (formerly Invitae), Labcorp
Classification: Benign for COG1 congenital disorder of glycosylation. Last evaluated: 2026-02-03. Review status: criteria provided, single submitter. Criteria: Invitae Variant Classification Sherloc (09022015). Collection method: clinical testing. Allele origin: germline.

Mayo Clinic Laboratories, Mayo Clinic
Classification: Benign. Last evaluated: 2025-05-06. Review status: criteria provided, single submitter. Criteria: ACMG Guidelines, 2015. Collection method: clinical testing. Allele origin: germline. Observed: 1 variant allele.
Comment: BA1, BS2, BP4_moderate

GeneDx
Classification: Likely benign. Last evaluated: 2023-10-30. Review status: criteria provided, single submitter. Criteria: GeneDx Variant Classification Process June 2021. Collection method: clinical testing. Allele origin: germline. Affected: yes.
Comment: See Variant Classification Assertion Criteria.

Illumina Laboratory Services, Illumina
Classification: Likely benign for COG1 congenital disorder of glycosylation. Last evaluated: 2018-01-12. Review status: criteria provided, single submitter. Criteria: ICSL Variant Classification Criteria 13 December 2019. Collection method: clinical testing. Allele origin: germline.
Comment: This variant was observed in the ICSL laboratory as part of a predisposition screen in an ostensibly healthy population. It had not been previously curated by ICSL or reported in the Human Gene Mutation Database (HGMD: prior to June 1st, 2018), and was therefore a candidate for classification through an automated scoring system. Utilizing variant allele frequency, disease prevalence and penetrance estimates, and inheritance mode, an automated score was calculated to assess if this variant is too frequent to cause the disease. Based on the score and internal cut-off values, a variant classified as likely benign is not then subjected to further curation. The score for this variant resulted in a classification of likely benign for this disease.

Breakthrough Genomics
Classification: Likely benign. Review status: criteria provided, single submitter. Criteria: ACMG Guidelines, 2015. Collection method: not provided. Allele origin: germline. Inheritance: Autosomal recessive inheritance. Affected: yes.

NM_018714.3(COG1):c.58G>C (p.Ala20Pro)

Genes: COG1 (component of oligomeric golgi complex 1; plus strand), LOC130061576 (ATAC-STARR-seq lymphoblastoid active region 12690; plus strand). Cytogenetic location: 17q25.1.
Variant type: single nucleotide variant.
Coding change: c.58G>C on transcript NM_018714.3 (MANE Select); coding-DNA position 58, G replaced by C.
Protein change: p.Ala20Pro; replaces alanine 20 with proline.
Molecular consequence: missense variant.
Genome position (GRCh38, 1-based): chr17:73,193,127, G>C. VCF-style: chr17-73193127-G-C. GRCh37 (hg19) VCF-style: chr17-71189266-G-C.
Other names: p.Ala20Pro; short protein forms A20P.
Identifiers: ClinVar variation 324955 (VCV000324955.32), dbSNP rs142719529, ClinGen allele CA8739879.